The following is an entry in ClinVar:

ClinVar aggregate classification (germline): Uncertain significance (1 of 4 stars; one submission).

gnomAD v4.1: 2 of 1,576,378 alleles (0.00013%); highest among the groups gnomAD compares: South Asian, 0.0022%; 1 homozygote.

Submission:

GeneDx
Classification: Uncertain significance. Last evaluated: 2024-05-17. Review status: criteria provided, single submitter. Criteria: GeneDx Variant Classification Process June 2021. Collection method: clinical testing. Allele origin: germline. Affected: yes.
Comment: Not observed at significant frequency in large population cohorts (gnomAD); In silico analysis supports that this missense variant has a deleterious effect on protein structure/function; Has not been previously published as pathogenic or benign to our knowledge

NM_001031679.3(MSRB3):c.287G>A (p.Gly96Asp)

Gene: MSRB3 (methionine sulfoxide reductase B3; plus strand). Cytogenetic location: 12q14.3.
Variant type: single nucleotide variant.
Coding change: c.287G>A on transcript NM_001031679.3 (MANE Select); coding-DNA position 287, G replaced by A.
Protein change: p.Gly96Asp; replaces glycine 96 with aspartic acid.
Molecular consequence: missense variant.
Genome position (GRCh38, 1-based): chr12:65,369,021, G>A. VCF-style: chr12-65369021-G-A. GRCh37 (hg19) VCF-style: chr12-65762801-G-A.
Other names: c.287G>A, p.Gly96Asp (NM_001193460.2, NM_001193461.2); c.308G>A, p.Gly103Asp (NM_198080.4); short protein forms G103D, G96D.
Identifiers: ClinVar variation 3378301 (VCV003378301.1).
Genomic context (GRCh38, chr12:65,369,021, plus strand): 5'-AGTTTTTATATTGTAAAAACTTTCTTTCTCTTTGCAGGTCAGAAACCAAATTTGACTCCG[G>A]TTCAGGTATGTTTACATTAATAATGCTCTTCTGAATATATTTTATTTACATTATTCTCTG-3'
Protein context (NP_001026849.1, residues 86-106): LFKSETKFDS[Gly96Asp]SGWPSFHDVI